The following is an entry in ClinVar:

NM_005338.7(HIP1):c.324G>A (p.Pro108=)

Gene: HIP1 (huntingtin interacting protein 1; minus strand). Cytogenetic location: 7q11.23.
Variant type: single nucleotide variant.
Coding change: c.324G>A on transcript NM_005338.7 (MANE Select); coding-DNA position 324, G replaced by A.
Protein change: p.Pro108=; no amino-acid change (proline 108 retained).
Molecular consequence: synonymous variant.
Genome position (GRCh38, 1-based): chr7:75,592,375, C>T on the plus strand (G>A on the coding strand, the complement: HIP1 is on the minus strand). VCF-style: chr7-75592375-C-T. GRCh37 (hg19) VCF-style: chr7-75221693-C-T.
Other names: c.324G>A, p.Pro108= (NM_001243198.3).
Identifiers: ClinVar variation 735886 (VCV000735886.5), dbSNP rs144446822, ClinGen allele CA4302672.

ClinVar aggregate classification (germline): Benign. Review status: criteria provided, single submitter (1 of 4 stars). 2 submissions from 2 submitters: Benign (1). 1 of the submissions does not count toward it. Last evaluated 2018-04-04.

Conditions:
HIP1-related disorder. Also called: HIP1-related condition.

Allele frequency attached by ClinVar (database versions not stated): gnomAD exomes 0.00011 and 0.00028; ExAC 0.00035; ESP Exome Variant Server 0.00115; 1000 Genomes Project 0.00120; gnomAD 0.00123 and 0.00133; 1000 Genomes Project 30x 0.00141; TOPMed 0.00146.
gnomAD v4.1: 350 of 1,604,708 alleles (0.022%); highest among the groups gnomAD compares: African/African-American, 0.42%; 1 homozygote.

Submissions (2):

Labcorp Genetics (formerly Invitae), Labcorp
Classification: Benign. Last evaluated: 2018-04-04. Review status: criteria provided, single submitter. Criteria: Invitae Variant Classification Sherloc (09022015). Collection method: clinical testing. Allele origin: germline.

PreventionGenetics, part of Exact Sciences
Classification: Likely benign for HIP1-related condition. Last evaluated: 2019-03-06. Review status: no assertion criteria provided. Collection method: clinical testing. Allele origin: germline. Not counted in ClinVar's aggregate classification.
Comment: This variant is classified as likely benign based on ACMG/AMP sequence variant interpretation guidelines (Richards et al. 2015 PMID: 25741868, with internal and published modifications).